The following is an entry in ClinVar:

NM_000138.5(FBN1):c.3969C>G (p.Ile1323Met)

Gene: FBN1 (fibrillin 1; minus strand). Cytogenetic location: 15q21.1.
Variant type: single nucleotide variant.
Coding change: c.3969C>G on transcript NM_000138.5 (MANE Select); coding-DNA position 3969, C replaced by G.
Protein change: p.Ile1323Met; replaces isoleucine 1323 with methionine.
Molecular consequence: missense variant.
Genome position (GRCh38, 1-based): chr15:48,474,646, G>C on the plus strand (C>G on the coding strand, the complement: FBN1 is on the minus strand). VCF-style: chr15-48474646-G-C. GRCh37 (hg19) VCF-style: chr15-48766843-G-C.
Other names: c.3969C>G, p.Ile1323Met (NM_001406716.1); short protein forms I1323M.
Identifiers: ClinVar variation 3752500 (VCV003752500.2).

ClinVar aggregate classification (germline): Uncertain significance (1 of 4 stars; one submission).

Conditions:
Marfan syndrome (MFS). Also called: MARFAN SYNDROME, TYPE I; Marfan syndrome type 1; Marfan's syndrome; Marfan syndrome, classic; FBN1-Related Marfan Syndrome. Identifiers: Orphanet 284963, Orphanet 558, MedGen C0024796, MONDO:0007947, OMIM 154700.
Familial thoracic aortic aneurysm and aortic dissection (TAAD). Also called: Thoracic aortic aneurysms and dissections. Identifiers: Orphanet 91387, MedGen C4707243, MONDO:0019625.

gnomAD v4.1: 1 of 1,614,032 alleles (0.000062%); highest among the groups gnomAD compares: Non-Finnish European, 0.000085%; no homozygotes.

Submission:

Labcorp Genetics (formerly Invitae), Labcorp
Classification: Uncertain significance for Marfan syndrome; Familial thoracic aortic aneurysm and aortic dissection. Last evaluated: 2024-03-20. Review status: criteria provided, single submitter. Criteria: Invitae Variant Classification Sherloc (09022015). Collection method: clinical testing. Allele origin: germline.
Comment: This sequence change replaces isoleucine, which is neutral and non-polar, with methionine, which is neutral and non-polar, at codon 1323 of the FBN1 protein (p.Ile1323Met). This variant is not present in population databases (gnomAD no frequency). This variant has not been reported in the literature in individuals affected with FBN1-related conditions. Advanced modeling of protein sequence and biophysical properties (such as structural, functional, and spatial information, amino acid conservation, physicochemical variation, residue mobility, and thermodynamic stability) performed at Invitae indicates that this missense variant is expected to disrupt FBN1 protein function with a positive predictive value of 95%. In summary, the available evidence is currently insufficient to determine the role of this variant in disease. Therefore, it has been classified as a Variant of Uncertain Significance.